The following is an entry in ClinVar:

NM_014141.6(CNTNAP2):c.148A>G (p.Ser50Gly)

Gene: CNTNAP2 (contactin associated protein 2; plus strand). Cytogenetic location: 7q35.
Variant type: single nucleotide variant.
Coding change: c.148A>G on transcript NM_014141.6 (MANE Select); coding-DNA position 148, A replaced by G.
Protein change: p.Ser50Gly; replaces serine 50 with glycine.
Molecular consequence: missense variant.
Genome position (GRCh38, 1-based): chr7:146,774,321, A>G. VCF-style: chr7-146774321-A-G. GRCh37 (hg19) VCF-style: chr7-146471413-A-G.
Other names: short protein forms S50G.
Identifiers: ClinVar variation 2658135 (VCV002658135.24), dbSNP rs1252017920, ClinGen allele CA369922321.
Genomic context (GRCh38, chr7:146,774,321, plus strand): 5'-TTGTTTTCAGAAAAATGTGATGAGCCACTTGTCTCTGGACTCCCCCATGTGGCTTTCAGC[A>G]GCTCCTCCTCCATCTCTGGTAGCTATTCTCCCGGCTATGCCAAGATAAACAAGAGAGGAG-3'
Protein context (NP_054860.1, residues 40-60): VSGLPHVAFS[Ser50Gly]SSSISGSYSP

ClinVar aggregate classification (germline): Uncertain significance (1 of 4 stars; one submission).

Allele frequency attached by ClinVar (database versions not stated): gnomAD exomes below 0.00001; TOPMed 0.00001.
gnomAD v4.1: 1 of 1,614,042 alleles (0.000062%); highest among the groups gnomAD compares: Non-Finnish European, 0.000085%; no homozygotes.

Submission:

CeGaT Center for Human Genetics Tuebingen
Classification: Uncertain significance. Last evaluated: 2023-10-01. Review status: criteria provided, single submitter. Criteria: CeGaT Center For Human Genetics Tuebingen Variant Classification Criteria Version 2. Collection method: clinical testing. Allele origin: germline. Affected: yes. Observed: 1 variant allele.
Comment: CNTNAP2: PM2